The following is an entry in ClinVar:

NM_000350.3(ABCA4):c.6005+1G>T

Gene: ABCA4 (ATP binding cassette subfamily A member 4; minus strand). Cytogenetic location: 1p22.1.
Variant type: single nucleotide variant.
Coding change: c.6005+1G>T on transcript NM_000350.3 (MANE Select); the canonical splice donor site of the intron after coding-DNA position 6005, G replaced by T.
Molecular consequence: splice donor variant.
Genome position (GRCh38, 1-based): chr1:94,007,633, C>A on the plus strand (G>T on the coding strand, the complement: ABCA4 is on the minus strand). VCF-style: chr1-94007633-C-A. GRCh37 (hg19) VCF-style: chr1-94473189-C-A.
Identifiers: ClinVar variation 99425 (VCV000099425.10), dbSNP rs61748517, ClinGen allele CA227363.
Genomic context (GRCh38, chr1:94,007,633, plus strand): 5'-TCCTATTCTTCTCACAGGACCTGTGAGAGACTCCCTGAGACAGGAGGAGCAGGATACTCA[C>A]CTCTTGCCTGCTACGGTGGCATCCCCTGAGGTCACTGTGGTGTCCCCAGTGAGCATCTTG-3'

ClinVar aggregate classification (germline): Pathogenic/Likely pathogenic. Review status: criteria provided, multiple submitters, no conflicts (2 of 4 stars). 4 submissions from 4 submitters: Pathogenic (2); Likely pathogenic (1). 1 of the submissions does not count toward it. Last evaluated 2025-07-31.

Conditions:
ABCA4-related disorder. Also called: ABCA4-related disorders; ABCA4-related condition. Identifiers: MedGen CN239167.
Retinal dystrophy. Also called: Inherited retinal dystrophy. Identifiers: Orphanet 71862, MedGen C0854723, MeSH D058499, MONDO:0019118, HP:0000556.

Submissions (4):

Labcorp Genetics (formerly Invitae), Labcorp
Classification: Pathogenic. Last evaluated: 2025-07-31. Review status: criteria provided, single submitter. Criteria: Invitae Variant Classification Sherloc (09022015). Collection method: clinical testing. Allele origin: germline.
Comment: This sequence change affects a donor splice site in intron 43 of the ABCA4 gene. It is expected to disrupt RNA splicing. Variants that disrupt the donor or acceptor splice site typically lead to a loss of protein function (PMID: 16199547), and loss-of-function variants in ABCA4 are known to be pathogenic (PMID: 10958761, 24938718, 25312043, 26780318). This variant is not present in population databases (gnomAD no frequency). Disruption of this splice site has been observed in individuals with Stargardt disease (PMID: 20696155, 29925512, 30093795). This variant is also known as IVS43+1G>T, c.5892+1G>T. ClinVar contains an entry for this variant (Variation ID: 99425). Algorithms developed to predict the effect of sequence changes on RNA splicing suggest that this variant may disrupt the consensus splice site. For these reasons, this variant has been classified as Pathogenic.

Blueprint Genetics
Classification: Likely pathogenic for ABCA4-related disorders. Last evaluated: 2017-08-30. Review status: criteria provided, single submitter. Criteria: ACMG Guidelines, 2015. Collection method: clinical testing. Allele origin: germline. Affected: yes. Observed: 1 variant allele.

Institute of Human Genetics, Univ. Regensburg, Univ. Regensburg
Classification: Pathogenic for Retinal dystrophy. Last evaluated: 2007-01-01. Review status: criteria provided, single submitter. Criteria: ACMG Guidelines, 2015. Collection method: clinical testing. Allele origin: germline. Affected: yes.

Retina International
No classification provided. Review status: no classification provided. Collection method: not provided. Allele origin: not provided. Not counted in ClinVar's aggregate classification.

Literature cited by the submitters: PubMed 16199547 (cited by Labcorp Genetics (formerly Invitae), Labcorp); PubMed 10958761 (cited by Labcorp Genetics (formerly Invitae), Labcorp); PubMed 24938718 (cited by Labcorp Genetics (formerly Invitae), Labcorp); PubMed 25312043 (cited by Labcorp Genetics (formerly Invitae), Labcorp); PubMed 26780318 (cited by Labcorp Genetics (formerly Invitae), Labcorp); PubMed 20696155 (cited by Labcorp Genetics (formerly Invitae), Labcorp and Institute of Human Genetics, Univ. Regensburg, Univ. Regensburg); PubMed 29925512 (cited by Labcorp Genetics (formerly Invitae), Labcorp and Institute of Human Genetics, Univ. Regensburg, Univ. Regensburg); PubMed 30093795 (cited by Labcorp Genetics (formerly Invitae), Labcorp and Institute of Human Genetics, Univ. Regensburg, Univ. Regensburg); PubMed 9054934 (cited by Institute of Human Genetics, Univ. Regensburg, Univ. Regensburg); PubMed 25525159 (cited by Institute of Human Genetics, Univ. Regensburg, Univ. Regensburg); PubMed 32531858 (cited by Institute of Human Genetics, Univ. Regensburg, Univ. Regensburg).